The following is an entry in ClinVar:

ClinVar aggregate classification (germline): Likely benign. Review status: criteria provided, multiple submitters, no conflicts (2 of 4 stars). 2 submissions from 2 submitters: Likely benign (2). Last evaluated 2025-03-18.

Allele frequency attached by ClinVar (database versions not stated): gnomAD 0.00004; ExAC 0.00007; TOPMed 0.00009; ESP Exome Variant Server 0.00016.
gnomAD v4.1: 37 of 1,589,424 alleles (0.0023%); highest among the groups gnomAD compares: East Asian, 0.018%; no homozygotes.

Submissions (2):

Labcorp Genetics (formerly Invitae), Labcorp
Classification: Likely benign. Last evaluated: 2025-03-18. Review status: criteria provided, single submitter. Criteria: Invitae Variant Classification Sherloc (09022015). Collection method: clinical testing. Allele origin: germline.

Women's Health and Genetics/Laboratory Corporation of America, LabCorp
Classification: Likely benign. Last evaluated: 2024-10-29. Review status: criteria provided, single submitter. Criteria: LabCorp Variant Classification Summary - May 2015. Collection method: clinical testing. Allele origin: germline.
Comment: Variant summary: HOMER2 c.762+17C>T alters a non-conserved nucleotide located at a position not widely known to affect splicing. Consensus agreement among computation tools predict no significant impact on normal splicing. However, these predictions have yet to be confirmed by functional studies. The variant allele was found at a frequency of 3.6e-05 in 247436 control chromosomes. The available data on variant occurrences in the general population are insufficient to allow any conclusion about variant significance. To our knowledge, no occurrence of c.762+17C>T in individuals affected with Autosomal Dominant Nonsyndromic Hearing Loss 68 and no experimental evidence demonstrating its impact on protein function have been reported. ClinVar contains an entry for this variant (Variation ID: 2959378). Based on the evidence outlined above, the variant was classified as likely benign.

NM_004839.4(HOMER2):c.762+17C>T

Gene: HOMER2 (homer scaffold protein 2; minus strand). Cytogenetic location: 15q25.2.
Variant type: single nucleotide variant.
Coding change: c.762+17C>T on transcript NM_004839.4 (MANE Select); 17 bases into the intron after coding-DNA position 762, C replaced by T.
Molecular consequence: intron variant.
Genome position (GRCh38, 1-based): chr15:82,852,125, G>A on the plus strand (C>T on the coding strand, the complement: HOMER2 is on the minus strand). VCF-style: chr15-82852125-G-A. GRCh37 (hg19) VCF-style: chr15-83520877-G-A.
Other names: c.795+17C>T (NM_199330.3).
Identifiers: ClinVar variation 2959378 (VCV002959378.4), dbSNP rs370017939, ClinGen allele CA7702023.